The following is an entry in ClinVar:

NM_178526.5(SLC25A42):c.601G>T (p.Ala201Ser)

Gene: SLC25A42 (solute carrier family 25 member 42; plus strand). Cytogenetic location: 19p13.11.
Variant type: single nucleotide variant.
Coding change: c.601G>T on transcript NM_178526.5 (MANE Select); coding-DNA position 601, G replaced by T.
Protein change: p.Ala201Ser; replaces alanine 201 with serine.
Molecular consequence: missense variant.
Genome position (GRCh38, 1-based): chr19:19,107,997, G>T. VCF-style: chr19-19107997-G-T. GRCh37 (hg19) VCF-style: chr19-19218806-G-T.
Other names: c.601G>T, p.Ala201Ser (NM_001321544.2); short protein forms A201S.
Identifiers: ClinVar variation 2038310 (VCV002038310.4), dbSNP rs531577760, ClinGen allele CA404895882.
Genomic context (GRCh38, chr19:19,107,997, plus strand): 5'-GAGGGGCTGAAGACTCTCTACCATGGATTTATGCCCACCGTGCTGGGGGTCATTCCCTAC[G>T]CTGGCCTGAGCTTCTTCACCTATGAGACGCTCAAGAGCTTGCACAGAGGTAAGGAGAGCT-3'
Protein context (NP_848621.2, residues 191-211): MPTVLGVIPY[Ala201Ser]GLSFFTYETL

ClinVar aggregate classification (germline): Uncertain significance (1 of 4 stars; one submission).

Submission:

Labcorp Genetics (formerly Invitae), Labcorp
Classification: Uncertain significance. Last evaluated: 2022-07-19. Review status: criteria provided, single submitter. Criteria: Invitae Variant Classification Sherloc (09022015). Collection method: clinical testing. Allele origin: germline.
Comment: In summary, the available evidence is currently insufficient to determine the role of this variant in disease. Therefore, it has been classified as a Variant of Uncertain Significance. Algorithms developed to predict the effect of missense changes on protein structure and function (SIFT, PolyPhen-2, Align-GVGD) all suggest that this variant is likely to be disruptive. This variant has not been reported in the literature in individuals affected with SLC25A42-related conditions. This variant is not present in population databases (gnomAD no frequency). This sequence change replaces alanine, which is neutral and non-polar, with serine, which is neutral and polar, at codon 201 of the SLC25A42 protein (p.Ala201Ser).